The following is an entry in ClinVar:

ClinVar aggregate classification (germline): Uncertain significance (1 of 4 stars; one submission).

Conditions:
RASopathy. Also called: rasopathies; Noonan spectrum disorder. Identifiers: Orphanet 536391, MedGen C5555857, MONDO:0021060.

Submission:

Labcorp Genetics (formerly Invitae), Labcorp
Classification: Uncertain significance for RASopathy. Last evaluated: 2024-08-11. Review status: criteria provided, single submitter. Criteria: Invitae Variant Classification Sherloc (09022015). Collection method: clinical testing. Allele origin: germline.
Comment: This sequence change replaces glutamic acid, which is acidic and polar, with glycine, which is neutral and non-polar, at codon 366 of the CBL protein (p.Glu366Gly). This variant is not present in population databases (gnomAD no frequency). This variant has not been reported in the literature in individuals affected with CBL-related conditions. ClinVar contains an entry for this variant (Variation ID: 2125425). An algorithm developed to predict the effect of missense changes on protein structure and function (PolyPhen-2) suggests that this variant is likely to be disruptive. In summary, the available evidence is currently insufficient to determine the role of this variant in disease. Therefore, it has been classified as a Variant of Uncertain Significance.

NM_005188.4(CBL):c.1097A>G (p.Glu366Gly)

Gene: CBL (Cbl proto-oncogene; plus strand). Cytogenetic location: 11q23.3.
Variant type: single nucleotide variant.
Coding change: c.1097A>G on transcript NM_005188.4 (MANE Select); coding-DNA position 1097, A replaced by G.
Protein change: p.Glu366Gly; replaces glutamic acid 366 with glycine.
Molecular consequence: missense variant.
Genome position (GRCh38, 1-based): chr11:119,278,167, A>G. VCF-style: chr11-119278167-A-G. GRCh37 (hg19) VCF-style: chr11-119148877-A-G.
Other names: short protein forms E366G.
Identifiers: ClinVar variation 2125425 (VCV002125425.4), dbSNP rs2135303509, ClinGen allele CA382912200.